The following is an entry in ClinVar:

NM_001378454.1(ALMS1):c.1852A>G (p.Thr618Ala)

Gene: ALMS1 (ALMS1 centrosome and basal body associated protein; plus strand). Cytogenetic location: 2p13.1.
Variant type: single nucleotide variant.
Coding change: c.1852A>G on transcript NM_001378454.1 (MANE Select); coding-DNA position 1852, A replaced by G.
Protein change: p.Thr618Ala; replaces threonine 618 with alanine.
Molecular consequence: missense variant.
Genome position (GRCh38, 1-based): chr2:73,448,379, A>G. VCF-style: chr2-73448379-A-G. GRCh37 (hg19) VCF-style: chr2-73675506-A-G.
Other names: c.1855A>G, p.Thr619Ala (NM_015120.4); short protein forms T618A, T619A.
Identifiers: ClinVar variation 2193630 (VCV002193630.2), dbSNP rs762184977, ClinGen allele CA50391172.
Genomic context (GRCh38, chr2:73,448,379, plus strand): 5'-GCTTTGAAAGTTTCAGCTGCTCCTGGACTAGCTGACCAGACAACTGGCATGTCAACTCTA[A>G]CCTCTACTTCCTACTCACATAGAGAGAAGCCTGGTACTTTTTACCAACAAGAGTTACCAG-3'
Protein context (NP_001365383.1, residues 608-628): ADQTTGMSTL[Thr618Ala]STSYSHREKP

ClinVar aggregate classification (germline): Uncertain significance. Review status: criteria provided, multiple submitters, no conflicts (2 of 4 stars). 2 submissions from 2 submitters: Uncertain significance (2). Last evaluated 2024-03-19.

Conditions:
Alstrom syndrome (ALMS). Identifiers: Orphanet 64, MedGen C0268425, MONDO:0008763, OMIM 203800.

Allele frequency attached by ClinVar (database versions not stated): gnomAD 0.00001; gnomAD exomes 0.00001.
gnomAD v4.1: 20 of 1,613,626 alleles (0.0012%); highest among the groups gnomAD compares: Admixed American, 0.0017%; no homozygotes.

Submissions (2):

GeneDx
Classification: Uncertain significance. Last evaluated: 2024-03-19. Review status: criteria provided, single submitter. Criteria: GeneDx Variant Classification Process June 2021. Collection method: clinical testing. Allele origin: germline. Affected: yes.
Comment: Not observed at significant frequency in large population cohorts (gnomAD); In silico analysis supports that this missense variant does not alter protein structure/function; Has not been previously published as pathogenic or benign to our knowledge

Labcorp Genetics (formerly Invitae), Labcorp
Classification: Uncertain significance for Alstrom syndrome. Last evaluated: 2022-07-21. Review status: criteria provided, single submitter. Criteria: Invitae Variant Classification Sherloc (09022015). Collection method: clinical testing. Allele origin: germline.
Comment: This sequence change replaces threonine, which is neutral and polar, with alanine, which is neutral and non-polar, at codon 619 of the ALMS1 protein (p.Thr619Ala). This variant is present in population databases (rs762184977, gnomAD 0.003%). This variant has not been reported in the literature in individuals affected with ALMS1-related conditions. Experimental studies and prediction algorithms are not available or were not evaluated, and the functional significance of this variant is currently unknown. In summary, the available evidence is currently insufficient to determine the role of this variant in disease. Therefore, it has been classified as a Variant of Uncertain Significance.